The following is an entry in ClinVar:

ClinVar aggregate classification (germline): Uncertain significance. Review status: criteria provided, multiple submitters, no conflicts (2 of 4 stars). 4 submissions from 4 submitters: Uncertain significance (4). Last evaluated 2026-01-27.

Conditions:
Long QT syndrome (LQTS). Identifiers: MedGen C0023976, MeSH D008133, MONDO:0002442. Disease mechanism: loss of function. Inheritance: Various modes of inheritance.
Cardiovascular phenotype. Identifiers: MedGen CN230736.
Progressive familial heart block type IB (PFHB1B). Identifiers: Orphanet 871, MedGen C1970298, MONDO:0011474, OMIM 604559.

Allele frequency attached by ClinVar (database versions not stated): TOPMed 0.00007; gnomAD 0.00011; gnomAD exomes 0.00013; ExAC 0.00024; 1000 Genomes Project 0.00040; 1000 Genomes Project 30x 0.00047.
gnomAD v4.1: 196 of 1,550,586 alleles (0.013%); highest among the groups gnomAD compares: South Asian, 0.041%; no homozygotes.

Submissions (4):

Labcorp Genetics (formerly Invitae), Labcorp
Classification: Uncertain significance for Progressive familial heart block type IB. Last evaluated: 2026-01-27. Review status: criteria provided, single submitter. Criteria: Invitae Variant Classification Sherloc (09022015). Collection method: clinical testing. Allele origin: germline.
Comment: This sequence change replaces cysteine, which is neutral and slightly polar, with tryptophan, which is neutral and slightly polar, at codon 763 of the TRPM4 protein (p.Cys763Trp). This variant is present in population databases (rs200760537, gnomAD 0.03%). This variant has not been reported in the literature in individuals affected with TRPM4-related conditions. ClinVar contains an entry for this variant (Variation ID: 646069). An algorithm developed to predict the effect of missense changes on protein structure and function (PolyPhen-2) suggests that this variant is likely to be disruptive. In summary, the available evidence is currently insufficient to determine the role of this variant in disease. Therefore, it has been classified as a Variant of Uncertain Significance.

Ambry Genetics
Classification: Uncertain significance for Cardiovascular phenotype. Last evaluated: 2025-12-02. Review status: criteria provided, single submitter. Criteria: Ambry Variant Classification Scheme 2023. Collection method: clinical testing. Allele origin: germline.
Comment: The p.C763W variant (also known as c.2289C>G), located in coding exon 17 of the TRPM4 gene, results from a C to G substitution at nucleotide position 2289. The cysteine at codon 763 is replaced by tryptophan, an amino acid with highly dissimilar properties. This amino acid position is poorly conserved in available vertebrate species. In addition, this alteration is predicted to be tolerated by in silico analysis. Based on the available evidence, the clinical significance of this variant remains unclear.

Dept of Medical Biology, Uskudar University
Classification: Uncertain significance for Long QT syndrome. Last evaluated: 2024-01-08. Review status: criteria provided, single submitter. Criteria: Dept of Medical Biology Variant Classification. Collection method: research. Allele origin: maternal. Affected: yes. Observed: 1 variant allele.
Comment: Criteria: BP4

Breakthrough Genomics
Classification: Uncertain significance. Review status: criteria provided, single submitter. Criteria: ACMG Guidelines, 2015. Collection method: not provided. Allele origin: germline. Inheritance: Autosomal dominant inheritance. Affected: yes.

NM_017636.4(TRPM4):c.2289C>G (p.Cys763Trp)

Gene: TRPM4 (transient receptor potential cation channel subfamily M member 4; plus strand). Cytogenetic location: 19q13.33.
Variant type: single nucleotide variant.
Coding change: c.2289C>G on transcript NM_017636.4 (MANE Select); coding-DNA position 2289, C replaced by G.
Protein change: p.Cys763Trp; replaces cysteine 763 with tryptophan.
Molecular consequence: missense variant. On other transcripts: intron variant (1).
Genome position (GRCh38, 1-based): chr19:49,196,518, C>G. VCF-style: chr19-49196518-C-G. GRCh37 (hg19) VCF-style: chr19-49699775-C-G.
Other names: c.1944C>G, p.Cys648Trp (NM_001321281.2); c.681C>G, p.Cys227Trp (NM_001321282.2); c.1767C>G, p.Cys589Trp (NM_001321283.2); c.1227C>G, p.Cys409Trp (NM_001321285.2); c.2211-3782C>G (NM_001195227.2); short protein forms C227W, C409W, C589W, C648W, C763W.
Identifiers: ClinVar variation 646069 (VCV000646069.15), dbSNP rs200760537, ClinGen allele CA9569524.
Genomic context (GRCh38, chr19:49,196,518, plus strand): 5'-GAAGACGCCGCTGGGGGTCCCGCGCCAGTCGGGCCGTCCGGGTTGCTGCGGGGGCCGCTG[C>G]GGGGGGCGCCGGTGCCTACGCCGCTGGTTCCACTTCTGGGGCGCGCCGGTGACCATCTTC-3'
Protein context (NP_060106.2, residues 753-773): SGRPGCCGGR[Cys763Trp]GGRRCLRRWF